The following is an entry in ClinVar:

NM_198965.2(PTHLH):c.79G>C (p.Val27Leu)

Gene: PTHLH (parathyroid hormone like hormone; minus strand). Cytogenetic location: 12p11.22.
Variant type: single nucleotide variant.
Coding change: c.79G>C on transcript NM_198965.2 (MANE Select); coding-DNA position 79, G replaced by C.
Protein change: p.Val27Leu; replaces valine 27 with leucine.
Molecular consequence: missense variant.
Genome position (GRCh38, 1-based): chr12:27,969,416, C>G on the plus strand (G>C on the coding strand, the complement: PTHLH is on the minus strand). VCF-style: chr12-27969416-C-G. GRCh37 (hg19) VCF-style: chr12-28122349-C-G.
Other names: c.79G>C, p.Val27Leu (NM_002820.3, NM_198964.2, NM_198966.2); short protein forms V27L.
Identifiers: ClinVar variation 3608824 (VCV003608824.2).

ClinVar aggregate classification (germline): Uncertain significance (1 of 4 stars; one submission).

gnomAD v4.1: 22 of 1,587,836 alleles (0.0014%); highest among the groups gnomAD compares: South Asian, 0.025%; no homozygotes.

Submission:

Labcorp Genetics (formerly Invitae), Labcorp
Classification: Uncertain significance. Last evaluated: 2024-11-04. Review status: criteria provided, single submitter. Criteria: Invitae Variant Classification Sherloc (09022015). Collection method: clinical testing. Allele origin: germline.
Comment: This sequence change replaces valine, which is neutral and non-polar, with leucine, which is neutral and non-polar, at codon 27 of the PTHLH protein (p.Val27Leu). This variant is present in population databases (rs557876486, gnomAD 0.03%). This variant has not been reported in the literature in individuals affected with PTHLH-related conditions. An algorithm developed to predict the effect of missense changes on protein structure and function outputs the following: PolyPhen-2: "Benign". The leucine amino acid residue is found in multiple mammalian species, which suggests that this missense change does not adversely affect protein function. In summary, the available evidence is currently insufficient to determine the role of this variant in disease. Therefore, it has been classified as a Variant of Uncertain Significance.